The following is an entry in ClinVar:

ClinVar aggregate classification (germline): Uncertain significance. Review status: criteria provided, multiple submitters, no conflicts (2 of 4 stars). 2 submissions from 2 submitters: Uncertain significance (2). Last evaluated 2024-12-24.

Allele frequency attached by ClinVar (database versions not stated): ExAC 0.00002; gnomAD 0.00002 and 0.00003; TOPMed 0.00003; gnomAD exomes 0.00005.
gnomAD v4.1: 26 of 1,614,086 alleles (0.0016%); highest among the groups gnomAD compares: Admixed American, 0.025%; no homozygotes.

Submissions (2):

Labcorp Genetics (formerly Invitae), Labcorp
Classification: Uncertain significance. Last evaluated: 2024-12-24. Review status: criteria provided, single submitter. Criteria: Invitae Variant Classification Sherloc (09022015). Collection method: clinical testing. Allele origin: germline.
Comment: This sequence change replaces valine, which is neutral and non-polar, with methionine, which is neutral and non-polar, at codon 208 of the ANKZF1 protein (p.Val208Met). This variant is present in population databases (rs376327826, gnomAD 0.03%). This variant has not been reported in the literature in individuals affected with ANKZF1-related conditions. ClinVar contains an entry for this variant (Variation ID: 1504003). An algorithm developed to predict the effect of missense changes on protein structure and function (PolyPhen-2) suggests that this variant is likely to be disruptive. In summary, the available evidence is currently insufficient to determine the role of this variant in disease. Therefore, it has been classified as a Variant of Uncertain Significance.

Ambry Genetics
Classification: Uncertain significance. Last evaluated: 2021-09-01. Review status: criteria provided, single submitter. Criteria: Ambry Variant Classification Scheme 2023. Collection method: clinical testing. Allele origin: germline.

NM_018089.3(ANKZF1):c.622G>A (p.Val208Met)

Gene: ANKZF1 (ankyrin repeat and zinc finger peptidyl tRNA hydrolase 1; plus strand). Cytogenetic location: 2q35.
Variant type: single nucleotide variant.
Coding change: c.622G>A on transcript NM_018089.3 (MANE Select); coding-DNA position 622, G replaced by A.
Protein change: p.Val208Met; replaces valine 208 with methionine.
Molecular consequence: missense variant. On other transcripts: 5 prime UTR variant (1).
Genome position (GRCh38, 1-based): chr2:219,233,142, G>A. VCF-style: chr2-219233142-G-A. GRCh37 (hg19) VCF-style: chr2-220097864-G-A.
Other names: c.622G>A, p.Val208Met (NM_001042410.2); c.-9G>A (NM_001282792.2); c.622G>A (NM_018089.2); short protein forms V208M.
Identifiers: ClinVar variation 1504003 (VCV001504003.9), dbSNP rs376327826, ClinGen allele CA2120797.
Genomic context (GRCh38, chr2:219,233,142, plus strand): 5'-CCCCCAGAAGAGGCAGAACTGCTGCTACAGAACCTGCAAAGTAGAGGTCCCAGAGACTGC[G>A]TGGTGCTCATGGCTGCAGCTGGGCACTTTGCTGGTGCTATATTTCAAGGGTGAGAGGGTG-3'
Protein context (NP_060559.2, residues 198-218): NLQSRGPRDC[Val208Met]VLMAAAGHFA